The following is an entry in ClinVar:

NM_019892.6(INPP5E):c.36G>C (p.Glu12Asp)

Gene: INPP5E (inositol polyphosphate-5-phosphatase E; minus strand). Cytogenetic location: 9q34.3.
Variant type: single nucleotide variant.
Coding change: c.36G>C on transcript NM_019892.6 (MANE Select); coding-DNA position 36, G replaced by C.
Protein change: p.Glu12Asp; replaces glutamic acid 12 with aspartic acid.
Molecular consequence: missense variant.
Genome position (GRCh38, 1-based): chr9:136,439,384, C>G on the plus strand (G>C on the coding strand, the complement: INPP5E is on the minus strand). VCF-style: chr9-136439384-C-G. GRCh37 (hg19) VCF-style: chr9-139333836-C-G.
Other names: c.36G>C, p.Glu12Asp (NM_001318502.2); short protein forms E12D.
Identifiers: ClinVar variation 1986759 (VCV001986759.4), dbSNP rs1332404967, ClinGen allele CA375571917.

ClinVar aggregate classification (germline): Uncertain significance (1 of 4 stars; one submission).

Conditions:
Joubert syndrome. Also called: CEREBELLOPARENCHYMAL DISORDER IV; JOUBERT-BOLTSHAUSER SYNDROME; Familial aplasia of the vermis. Identifiers: Orphanet 475, MedGen C5979921, MONDO:0018772.

Allele frequency attached by ClinVar (database versions not stated): gnomAD 0.00001; TOPMed 0.00002.

Submission:

Labcorp Genetics (formerly Invitae), Labcorp
Classification: Uncertain significance for Joubert syndrome. Last evaluated: 2022-02-10. Review status: criteria provided, single submitter. Criteria: Invitae Variant Classification Sherloc (09022015). Collection method: clinical testing. Allele origin: germline.
Comment: In summary, the available evidence is currently insufficient to determine the role of this variant in disease. Therefore, it has been classified as a Variant of Uncertain Significance. Advanced modeling of protein sequence and biophysical properties (such as structural, functional, and spatial information, amino acid conservation, physicochemical variation, residue mobility, and thermodynamic stability) performed at Invitae indicates that this missense variant is not expected to disrupt INPP5E protein function. This variant has not been reported in the literature in individuals affected with INPP5E-related conditions. This variant is not present in population databases (gnomAD no frequency). This sequence change replaces glutamic acid, which is acidic and polar, with aspartic acid, which is acidic and polar, at codon 12 of the INPP5E protein (p.Glu12Asp).